The following is an entry in ClinVar:

ClinVar aggregate classification (germline): Uncertain significance (1 of 4 stars; one submission).

Conditions:
Developmental and epileptic encephalopathy, 23 (DEE23). Also called: Epileptic encephalopathy, early infantile, 23. Identifiers: Orphanet 411986, MedGen C4014492, MONDO:0014371, OMIM 615859.

Allele frequency attached by ClinVar (database versions not stated): TOPMed 0.00002; gnomAD exomes 0.00003; gnomAD 0.00001; ExAC 0.00002; ESP Exome Variant Server 0.00008.
gnomAD v4.1: 48 of 1,613,280 alleles (0.003%); highest among the groups gnomAD compares: Non-Finnish European, 0.004%; no homozygotes.

Submission:

Labcorp Genetics (formerly Invitae), Labcorp
Classification: Uncertain significance for Developmental and epileptic encephalopathy, 23. Last evaluated: 2025-12-03. Review status: criteria provided, single submitter. Criteria: Invitae Variant Classification Sherloc (09022015). Collection method: clinical testing. Allele origin: germline.
Comment: This sequence change replaces leucine, which is neutral and non-polar, with isoleucine, which is neutral and non-polar, at codon 798 of the DOCK7 protein (p.Leu798Ile). This variant is present in population databases (rs372835437, gnomAD 0.007%). This variant has not been reported in the literature in individuals affected with DOCK7-related conditions. ClinVar contains an entry for this variant (Variation ID: 963398). Invitae Evidence Modeling of protein sequence and biophysical properties (such as structural, functional, and spatial information, amino acid conservation, physicochemical variation, residue mobility, and thermodynamic stability) indicates that this missense variant is not expected to disrupt DOCK7 protein function with a negative predictive value of 80%. In summary, the available evidence is currently insufficient to determine the role of this variant in disease. Therefore, it has been classified as a Variant of Uncertain Significance.

NM_001367561.1(DOCK7):c.2392C>A (p.Leu798Ile)

Gene: DOCK7 (dedicator of cytokinesis 7; minus strand). Cytogenetic location: 1p31.3.
Variant type: single nucleotide variant.
Coding change: c.2392C>A on transcript NM_001367561.1 (MANE Select); coding-DNA position 2392, C replaced by A.
Protein change: p.Leu798Ile; replaces leucine 798 with isoleucine.
Molecular consequence: missense variant.
Genome position (GRCh38, 1-based): chr1:62,559,028, G>T on the plus strand (C>A on the coding strand, the complement: DOCK7 is on the minus strand). VCF-style: chr1-62559028-G-T. GRCh37 (hg19) VCF-style: chr1-63024699-G-T.
Other names: c.2392C>A, p.Leu798Ile (NM_001271999.2, NM_001272000.2, NM_001272001.2 and 2 more transcripts); short protein forms L798I.
Identifiers: ClinVar variation 963398 (VCV000963398.8), dbSNP rs372835437, ClinGen allele CA886294.